The following is an entry in ClinVar:

ClinVar aggregate classification (germline): Uncertain significance (1 of 4 stars; one submission).

Conditions:
Chuvash polycythemia. Also called: POLYCYTHEMIA, VHL-DEPENDENT. Identifiers: Orphanet 238557, MedGen C1837915, MONDO:0009892, OMIM 263400.
Von Hippel-Lindau syndrome (VHLS). Also called: von Hippel–Lindau syndrome; VHL syndrome; Von Hippel-Lindau. Identifiers: Orphanet 892, MedGen C0019562, MONDO:0008667, OMIM 193300. Disease mechanism: loss of function.

Submission:

Labcorp Genetics (formerly Invitae), Labcorp
Classification: Uncertain significance for Von Hippel-Lindau syndrome; Chuvash polycythemia. Last evaluated: 2025-11-10. Review status: criteria provided, single submitter. Criteria: Invitae Variant Classification Sherloc (09022015). Collection method: clinical testing. Allele origin: germline.
Comment: This sequence change replaces glutamine, which is neutral and polar, with proline, which is neutral and non-polar, at codon 73 of the VHL protein (p.Gln73Pro). This variant is not present in population databases (gnomAD no frequency). This variant has not been reported in the literature in individuals affected with VHL-related conditions. Invitae Evidence Modeling of protein sequence and biophysical properties (such as structural, functional, and spatial information, amino acid conservation, physicochemical variation, residue mobility, and thermodynamic stability) indicates that this missense variant is expected to disrupt VHL protein function with a positive predictive value of 95%. In summary, the available evidence is currently insufficient to determine the role of this variant in disease. Therefore, it has been classified as a Variant of Uncertain Significance.

NM_000551.4(VHL):c.218A>C (p.Gln73Pro)

Gene: VHL (von Hippel-Lindau tumor suppressor; plus strand). Cytogenetic location: 3p25.3.
Variant type: single nucleotide variant.
Coding change: c.218A>C on transcript NM_000551.4 (MANE Select); coding-DNA position 218, A replaced by C.
Protein change: p.Gln73Pro; replaces glutamine 73 with proline.
Molecular consequence: missense variant. On other transcripts: non-coding transcript variant (1).
Genome position (GRCh38, 1-based): chr3:10,142,065, A>C. VCF-style: chr3-10142065-A-C. GRCh37 (hg19) VCF-style: chr3-10183749-A-C.
Other names: c.218A>C, p.Gln73Pro (NM_001354723.2, NM_198156.3); short protein forms Q73P.
Identifiers: ClinVar variation 4789509 (VCV004789509.1).